The following is an entry in ClinVar:

ClinVar aggregate classification (germline): Uncertain significance (0 of 4 stars; one submission).

Conditions:
Autosomal recessive nonsyndromic hearing loss 9. Also called: NEUROSENSORY NONSYNDROMIC RECESSIVE DEAFNESS 9; Deafness, autosomal recessive 9; AUDITORY NEUROPATHY, AUTOSOMAL RECESSIVE, 1, TEMPERATURE-SENSITIVE; OTOF-Related Hearing Loss. Identifiers: Orphanet 90636, MedGen C1832828, MONDO:0010986, OMIM 601071.

Submission:

Division of Human Genetics, Children's Hospital of Philadelphia
Classification: Uncertain significance for Deafness, autosomal recessive 9. Last evaluated: 2015-01-29. Review status: no assertion criteria provided. Collection method: research. Allele origin: paternal. Affected: yes. Study: CSER-PediSeq.
Comment: This test identified a heterozygous variant (c.2034_2042dup (p.Ala679_Asp681dup) in the OTOF gene. This gene has been associated prelingual nonsyndromic hearing loss (DFNB9; MIM: 601071) and temperature-sensitive nonsyndromic auditory neuropathy, both inherited in autosomal recessive manner. This variant is considered a variant of unknown significance, as it is a novel variant that has not been reported in literature and absent in reference databases. The change represents an in-frame duplication of three amino acids in a moderately conserved region, outside of any functional domain.

NM_194248.3(OTOF):c.2034_2042dup (p.676_678AGD[3])

Gene: OTOF (otoferlin; minus strand). Cytogenetic location: 2p23.3.
Variant type: Duplication.
Coding change: c.2034_2042dup on transcript NM_194248.3 (MANE Select); coding-DNA positions 2034 to 2042, 9 bases duplicated (TGCCGGGGA; older notation c.2034_2042dupTGCCGGGGA).
Protein change: p.676_678AGD[3].
Molecular consequence: inframe insertion.
Genome position (GRCh38, 1-based): chr2:26,479,524-26,479,532, TCCCCGGCA duplicated on the plus strand (TGCCGGGGA on the coding strand, the reverse complement: OTOF is on the minus strand); duplicating any 9 consecutive bases within chr2:26,479,524-26,479,534 gives the same sequence; the c. name uses the placement nearest the transcript's 3' end. VCF-style (leftmost placement, unchanged base first): chr2-26479523-G-GTCCCCGGCA. GRCh37 (hg19) VCF-style: chr2-26702391-G-GTCCCCGGCA.
Other names: c.2034_2042dup, p.676_678AGD[3] (NM_001287489.2).
Identifiers: ClinVar variation 203371 (VCV000203371.1), dbSNP rs794729640, ClinGen allele CA275502.